The following is an entry in ClinVar:

ClinVar aggregate classification (germline): Conflicting classifications of pathogenicity. Review status: criteria provided, conflicting classifications (1 of 4 stars). 6 submissions from 6 submitters: Uncertain significance (4); Likely benign (2). Last evaluated 2026-06-16.

Conditions:
ALPK3-related disorder. Also called: ALPK3-related condition.
Cardiovascular phenotype. Identifiers: MedGen CN230736.

Allele frequency attached by ClinVar (database versions not stated): gnomAD exomes 0.00007; gnomAD 0.00009 and 0.00015; TOPMed 0.00009; ExAC 0.00027; 1000 Genomes Project 30x 0.00031; 1000 Genomes Project 0.00040.
gnomAD v4.1: 423 of 1,560,142 alleles (0.027%); highest among the groups gnomAD compares: East Asian, 0.7%; 1 homozygote.

Submissions (6):

PreventionGenetics, part of Exact Sciences
Classification: Uncertain significance for ALPK3-related condition. Last evaluated: 2026-06-16. Review status: criteria provided, single submitter. Criteria: ACMG Guidelines, 2015. Collection method: clinical testing. Allele origin: germline.
Comment: The ALPK3 c.4289G>A variant is predicted to result in the amino acid substitution p.Arg1430Gln. To our knowledge, this variant has not been reported in the literature. This variant is reported in 0.038% of alleles in individuals of East Asian descent in gnomAD. At this time, the clinical significance of this variant is uncertain due to the absence of conclusive functional and genetic evidence.

Women's Health and Genetics/Laboratory Corporation of America, LabCorp
Classification: Uncertain significance. Last evaluated: 2026-01-16. Review status: criteria provided, single submitter. Criteria: LabCorp Variant Classification Summary - May 2015. Collection method: clinical testing. Allele origin: germline.
Comment: Variant summary: ALPK3 c.3683G>A (p.Arg1228Gln) results in a conservative amino acid change in the encoded protein sequence. Algorithms developed to predict the effect of missense changes on protein structure and function all suggest that this variant is likely to be tolerated. The variant allele was found at a frequency of 7.1e-05 in 167868 control chromosomes. This frequency is not significantly higher than estimated for disease-causing variants in ALPK3, allowing no conclusion about variant significance. To our knowledge, no occurrence of c.3683G>A in individuals affected with ALPK3-related conditions and no experimental evidence demonstrating its impact on protein function have been reported. ClinVar contains an entry for this variant (Variation ID: 1358808). Based on the evidence outlined above, the variant was classified as uncertain significance.

Labcorp Genetics (formerly Invitae), Labcorp
Classification: Uncertain significance. Last evaluated: 2026-01-15. Review status: criteria provided, single submitter. Criteria: Invitae Variant Classification Sherloc (09022015). Collection method: clinical testing. Allele origin: germline.
Comment: This sequence change replaces arginine, which is basic and polar, with glutamine, which is neutral and polar, at codon 1430 of the ALPK3 protein (p.Arg1430Gln). This variant is present in population databases (rs150023454, gnomAD 0.04%). This variant has not been reported in the literature in individuals affected with ALPK3-related conditions. ClinVar contains an entry for this variant (Variation ID: 1358808). Invitae Evidence Modeling of protein sequence and biophysical properties (such as structural, functional, and spatial information, amino acid conservation, physicochemical variation, residue mobility, and thermodynamic stability) indicates that this missense variant is not expected to disrupt ALPK3 protein function with a negative predictive value of 80%. In summary, the available evidence is currently insufficient to determine the role of this variant in disease. Therefore, it has been classified as a Variant of Uncertain Significance.

Ambry Genetics
Classification: Likely benign for Cardiovascular phenotype. Last evaluated: 2024-10-27. Review status: criteria provided, single submitter. Criteria: Ambry Variant Classification Scheme 2023. Collection method: clinical testing. Allele origin: germline.

GeneDx
Classification: Uncertain significance. Last evaluated: 2023-12-04. Review status: criteria provided, single submitter. Criteria: GeneDx Variant Classification Process June 2021. Collection method: clinical testing. Allele origin: germline. Affected: yes.
Comment: Has not been previously published as pathogenic or benign to our knowledge; In silico analysis supports that this missense variant does not alter protein structure/function

Blueprint Genetics
Classification: Likely benign. Last evaluated: 2023-10-24. Review status: criteria provided, single submitter. Criteria: ACMG Guidelines, 2015. Collection method: clinical testing. Allele origin: germline.

NM_020778.5(ALPK3):c.3683G>A (p.Arg1228Gln)

Gene: ALPK3 (alpha kinase 3; plus strand). Cytogenetic location: 15q25.3.
Variant type: single nucleotide variant.
Coding change: c.3683G>A on transcript NM_020778.5 (MANE Select); coding-DNA position 3683, G replaced by A.
Protein change: p.Arg1228Gln; replaces arginine 1228 with glutamine.
Molecular consequence: missense variant.
Genome position (GRCh38, 1-based): chr15:84,858,421, G>A. VCF-style: chr15-84858421-G-A. GRCh37 (hg19) VCF-style: chr15-85401652-G-A.
Other names: short protein forms R1228Q.
Identifiers: ClinVar variation 1358808 (VCV001358808.13), dbSNP rs150023454, ClinGen allele CA7709693.